The following is an entry in ClinVar:

ClinVar aggregate classification (germline): Uncertain significance (1 of 4 stars; one submission).

gnomAD v4.1: 9 of 1,613,080 alleles (0.00056%); highest among the groups gnomAD compares: South Asian, 0.0066%; no homozygotes.

Submission:

Women's Health and Genetics/Laboratory Corporation of America, LabCorp
Classification: Uncertain significance. Last evaluated: 2025-06-04. Review status: criteria provided, single submitter. Criteria: LabCorp Variant Classification Summary - May 2015. Collection method: clinical testing. Allele origin: germline.
Comment: Variant summary: SETD2 c.1510A>G (p.Met504Val) results in a conservative amino acid change in the encoded protein sequence. Algorithms developed to predict the effect of missense changes on protein structure and function all suggest that this variant is likely to be tolerated. The variant allele was found at a frequency of 2e-05 in 249814 control chromosomes. The available data on variant occurrences in the general population are insufficient to allow any conclusion about variant significance. To our knowledge, no occurrence of c.1510A>G in individuals affected with Luscan-Lumish Syndrome and no experimental evidence demonstrating its impact on protein function have been reported. No submitters have cited clinical-significance assessments for this variant to ClinVar. Based on the evidence outlined above, the variant was classified as uncertain significance.

NM_014159.7(SETD2):c.1510A>G (p.Met504Val)

Gene: SETD2 (SET domain containing 2, histone lysine methyltransferase; minus strand). Cytogenetic location: 3p21.31.
Variant type: single nucleotide variant.
Coding change: c.1510A>G on transcript NM_014159.7 (MANE Select); coding-DNA position 1510, A replaced by G.
Protein change: p.Met504Val; replaces methionine 504 with valine.
Molecular consequence: missense variant. On other transcripts: non-coding transcript variant (1).
Genome position (GRCh38, 1-based): chr3:47,123,126, T>C on the plus strand (A>G on the coding strand, the complement: SETD2 is on the minus strand). VCF-style: chr3-47123126-T-C. GRCh37 (hg19) VCF-style: chr3-47164616-T-C.
Other names: c.1378A>G, p.Met460Val (NM_001349370.3); short protein forms M460V, M504V.
Identifiers: ClinVar variation 3907379 (VCV003907379.1).